The following is an entry in ClinVar:

NM_014244.5(ADAMTS2):c.11delinsAGAGCA (p.Pro4fs)

Gene: ADAMTS2 (ADAM metallopeptidase with thrombospondin type 1 motif 2; minus strand). Cytogenetic location: 5q35.3.
Variant type: Indel.
Coding change: c.11delinsAGAGCA on transcript NM_014244.5 (MANE Select); coding-DNA position 11, C replaced by AGAGCA.
Protein change: p.Pro4fs; shifts the reading frame from proline 4.
Molecular consequence: frameshift variant.
Genome position (GRCh38, 1-based): chr5:179,345,318, G replaced by TGCTCT on the plus strand (C replaced by AGAGCA on the coding strand, the reverse complement: ADAMTS2 is on the minus strand). VCF-style: chr5-179345318-G-TGCTCT. GRCh37 (hg19) VCF-style: chr5-178772319-G-TGCTCT.
Other names: c.11delinsAGAGCA, p.Pro4fs (NM_021599.4); short protein forms P4fs.
Identifiers: ClinVar variation 5010382 (VCV005010382.1).

ClinVar aggregate classification (germline): Pathogenic (1 of 4 stars; one submission).

Conditions:
Ehlers-Danlos syndrome, dermatosparaxis type. Also called: EDS VIIC; Dermatosparaxis; Ehlers-Danlos syndrome, type VII, autosomal recessive. Identifiers: Orphanet 1901, MedGen C2700425, MONDO:0009161, OMIM 225410.

Submission:

Myriad Genetics, Inc.
Classification: Pathogenic for Ehlers-Danlos syndrome, dermatosparaxis type. Last evaluated: 2024-05-14. Review status: criteria provided, single submitter. Criteria: Myriad Autosomal Dominant, Autosomal Recessive and X-Linked Classification Criteria (2023). Collection method: clinical testing. Allele origin: unknown.
Comment: NM_014244.4(ADAMTS2):c.11del1ins6(P4Qfs*163) is expected to be pathogenic in the context of Ehlers-Danlos syndrome, ADAMTS2-related. This variant is predicted to lead to an abnormal or absent protein product due to the creation of a premature termination codon in ADAMTS2, a gene where loss-of-function variants are known to be pathogenic. Please note: this variant was assessed in the context of healthy population screening.